The following is an entry in ClinVar:

NM_003151.4(STAT4):c.2174A>G (p.Tyr725Cys)

Genes: STAT4 (signal transducer and activator of transcription 4; minus strand), STAT4-AS1 (STAT4 antisense RNA 1; plus strand). Cytogenetic location: 2q32.2.
Variant type: single nucleotide variant.
Coding change: c.2174A>G on transcript NM_003151.4 (MANE Select); coding-DNA position 2174, A replaced by G.
Protein change: p.Tyr725Cys; replaces tyrosine 725 with cysteine.
Molecular consequence: missense variant. On other transcripts: non-coding transcript variant (1).
Genome position (GRCh38, 1-based): chr2:191,031,018, T>C on the plus strand (A>G on the coding strand, the complement: STAT4 is on the minus strand). VCF-style: chr2-191031018-T-C. GRCh37 (hg19) VCF-style: chr2-191895744-T-C.
Other names: c.2174A>G, p.Tyr725Cys (NM_001243835.2); short protein forms Y725C.
Identifiers: ClinVar variation 2730791 (VCV002730791.3), dbSNP rs2470634853, ClinGen allele CA349906197.
Genomic context (GRCh38, chr2:191,031,018, plus strand): 5'-TAAAGGGAACATACTGCAGTTTCAATTGTTGTGGGACTCAGGTTTTCTCTCAACACCGCA[T>C]ACACACTTGGAGACATGGGAAGAAGGTCTGATGGAGAATGTGGCTCTGTTGAATCACTTC-3'
Protein context (NP_003142.1, residues 715-735): SDLLPMSPSV[Tyr725Cys]AVLRENLSPT

ClinVar aggregate classification (germline): Uncertain significance (1 of 4 stars; one submission).

Submission:

Labcorp Genetics (formerly Invitae), Labcorp
Classification: Uncertain significance. Last evaluated: 2024-09-06. Review status: criteria provided, single submitter. Criteria: Invitae Variant Classification Sherloc (09022015). Collection method: clinical testing. Allele origin: germline.
Comment: This sequence change replaces tyrosine, which is neutral and polar, with cysteine, which is neutral and slightly polar, at codon 725 of the STAT4 protein (p.Tyr725Cys). This variant is not present in population databases (gnomAD no frequency). This variant has not been reported in the literature in individuals affected with STAT4-related conditions. An algorithm developed to predict the effect of missense changes on protein structure and function (PolyPhen-2) suggests that this variant is likely to be disruptive. In summary, the available evidence is currently insufficient to determine the role of this variant in disease. Therefore, it has been classified as a Variant of Uncertain Significance.